The following is an entry in ClinVar:

ClinVar aggregate classification (germline): Conflicting classifications of pathogenicity. Review status: criteria provided, conflicting classifications (1 of 4 stars). 5 submissions from 5 submitters: Uncertain significance (1); Benign (1); Likely benign (2). 1 of the submissions does not count toward it. Last evaluated 2026-01-17.

Conditions:
KMT2D-related disorder. Also called: KMT2D-Related Disorders.
Kabuki syndrome. Also called: Kabuki make-up syndrome; NIIKAWA-KUROKI SYNDROME. Identifiers: Orphanet 2322, MedGen C0796004, MONDO:0016512.
Inborn genetic diseases. Identifiers: MedGen C0950123, MeSH D030342.

Allele frequency attached by ClinVar (database versions not stated): gnomAD exomes 0.00002 and 0.00005; gnomAD 0.00003; ExAC 0.00006; TOPMed 0.00008.
gnomAD v4.1: 37 of 1,512,172 alleles (0.0024%); highest among the groups gnomAD compares: Admixed American, 0.026%; no homozygotes.

Submissions (5):

Labcorp Genetics (formerly Invitae), Labcorp
Classification: Benign for Kabuki syndrome. Last evaluated: 2026-01-17. Review status: criteria provided, single submitter. Criteria: Invitae Variant Classification Sherloc (09022015). Collection method: clinical testing. Allele origin: germline.

Blueprint Genetics
Classification: Likely benign. Last evaluated: 2023-08-30. Review status: criteria provided, single submitter. Criteria: ACMG Guidelines, 2015. Collection method: clinical testing. Allele origin: germline.

Ambry Genetics
Classification: Likely benign for Inborn genetic diseases. Last evaluated: 2021-05-24. Review status: criteria provided, single submitter. Criteria: Ambry Variant Classification Scheme 2023. Collection method: clinical testing. Allele origin: germline.

Genetic Services Laboratory, University of Chicago
Classification: Uncertain significance. Last evaluated: 2014-06-06. Review status: criteria provided, single submitter. Criteria: ACMG Guidelines, 2015. Collection method: clinical testing. Allele origin: germline.

PreventionGenetics, part of Exact Sciences
Classification: Likely benign for KMT2D-related condition. Last evaluated: 2024-06-01. Review status: no assertion criteria provided. Collection method: clinical testing. Allele origin: germline. Not counted in ClinVar's aggregate classification.
Comment: This variant is classified as likely benign based on ACMG/AMP sequence variant interpretation guidelines (Richards et al. 2015 PMID: 25741868, with internal and published modifications).

NM_003482.4(KMT2D):c.2533C>T (p.Arg845Trp)

Gene: KMT2D (lysine methyltransferase 2D; minus strand). Cytogenetic location: 12q13.12.
Variant type: single nucleotide variant.
Coding change: c.2533C>T on transcript NM_003482.4 (MANE Select); coding-DNA position 2533, C replaced by T.
Protein change: p.Arg845Trp; replaces arginine 845 with tryptophan.
Molecular consequence: missense variant.
Genome position (GRCh38, 1-based): chr12:49,051,150, G>A on the plus strand (C>T on the coding strand, the complement: KMT2D is on the minus strand). VCF-style: chr12-49051150-G-A. GRCh37 (hg19) VCF-style: chr12-49444933-G-A.
Other names: short protein forms R845W.
Identifiers: ClinVar variation 211320 (VCV000211320.14), dbSNP rs746841307, ClinGen allele CA208189.
Genomic context (GRCh38, chr12:49,051,150, plus strand): 5'-CAGGCCGAGGGGACAGGGGTGGCTTCTCAAGCTCAGGGGACAGATGCGATTCCTCAGGCC[G>A]GGGGGACAGGCATGGCTCCTCAGACTGGGGGGACAGGTGTGATTCCTCAGGTTGGGGGGA-3'
Protein context (NP_003473.3, residues 835-855): PQSEEPCLSP[Arg845Trp]PEESHLSPEL